The following is an entry in ClinVar:

ClinVar aggregate classification (germline): Uncertain significance (1 of 4 stars; one submission).

Allele frequency attached by ClinVar (database versions not stated): gnomAD exomes below 0.00001; TOPMed below 0.00001; gnomAD 0.00001.
gnomAD v4.1: 2 of 1,551,600 alleles (0.00013%); highest among the groups gnomAD compares: Non-Finnish European, 0.00017%; no homozygotes.

Submission:

Labcorp Genetics (formerly Invitae), Labcorp
Classification: Uncertain significance. Last evaluated: 2022-05-12. Review status: criteria provided, single submitter. Criteria: Invitae Variant Classification Sherloc (09022015). Collection method: clinical testing. Allele origin: germline.
Comment: This sequence change replaces serine, which is neutral and polar, with arginine, which is basic and polar, at codon 162 of the LOXHD1 protein (p.Ser162Arg). This variant is present in population databases (no rsID available, gnomAD 0.007%). This variant has not been reported in the literature in individuals affected with LOXHD1-related conditions. Algorithms developed to predict the effect of missense changes on protein structure and function are either unavailable or do not agree on the potential impact of this missense change (SIFT: "Deleterious"; PolyPhen-2: "Benign"; Align-GVGD: "Class C0"). In summary, the available evidence is currently insufficient to determine the role of this variant in disease. Therefore, it has been classified as a Variant of Uncertain Significance.

NM_001384474.1(LOXHD1):c.486C>A (p.Ser162Arg)

Gene: LOXHD1 (lipoxygenase homology PLAT domains 1; minus strand). Cytogenetic location: 18q21.1.
Variant type: single nucleotide variant.
Coding change: c.486C>A on transcript NM_001384474.1 (MANE Select); coding-DNA position 486, C replaced by A.
Protein change: p.Ser162Arg; replaces serine 162 with arginine.
Molecular consequence: missense variant.
Genome position (GRCh38, 1-based): chr18:46,639,641, G>T on the plus strand (C>A on the coding strand, the complement: LOXHD1 is on the minus strand). VCF-style: chr18-46639641-G-T. GRCh37 (hg19) VCF-style: chr18-44219604-G-T.
Other names: c.486C>A, p.Ser162Arg (NM_144612.7); short protein forms S162R.
Identifiers: ClinVar variation 2186638 (VCV002186638.1), dbSNP rs1403699742, ClinGen allele CA402369614.